The following is an entry in ClinVar:

ClinVar aggregate classification (germline): Likely pathogenic (1 of 4 stars; one submission).

Conditions:
Cataract 38. Also called: Cataract 38, autosomal recessive; Cataract, autosomal recessive congenital 5. Identifiers: Orphanet 91492, MedGen C3553494, MONDO:0013859, OMIM 614691.
Sengers syndrome. Also called: MITOCHONDRIAL DNA DEPLETION SYNDROME 10 (CARDIOMYOPATHIC TYPE); Cardiomyopathy and cataract. Identifiers: Orphanet 1369, MedGen C1859317, MONDO:0008922, OMIM 212350.

Submission:

Labcorp Genetics (formerly Invitae), Labcorp
Classification: Likely pathogenic for Sengers syndrome; Cataract 38. Last evaluated: 2023-10-13. Review status: criteria provided, single submitter. Criteria: Invitae Variant Classification Sherloc (09022015). Collection method: clinical testing. Allele origin: germline.
Comment: This variant results in a copy number gain of the genomic region encompassing exon(s) 3 of the AGK gene. While the exact position of this variant cannot be determined from the data, sub-genic copy number gains are generally in tandem (PMID: 25640679). This variant is predicted to be out-of-frame, and may result in an absent or disrupted protein product. Loss-of-function variants in AGK are known to be pathogenic (PMID: 22284826). This variant has not been reported in the literature in individuals affected with AGK-related conditions. In summary, the currently available evidence indicates that the variant is pathogenic, but additional data are needed to prove that conclusively. Therefore, this variant has been classified as Likely Pathogenic.

Literature cited by the submitters: PubMed 25640679; PubMed 22284826.

NC_000007.13:g.(?_141292926)_(141293005_?)dup

Gene: AGK (acylglycerol kinase; plus strand). Cytogenetic location: 7q34.
Variant type: Duplication.
Identifiers: ClinVar variation 2426460 (VCV002426460.4).